The following is an entry in ClinVar:

ClinVar aggregate classification (germline): Likely benign. Review status: criteria provided, multiple submitters, no conflicts (2 of 4 stars). 2 submissions from 2 submitters: Likely benign (2). Last evaluated 2025-06-25.

Conditions:
Mitochondrial hypertrophic cardiomyopathy with lactic acidosis due to MTO1 deficiency. Also called: Combined oxidative phosphorylation deficiency 10; CARDIOMYOPATHY, INFANTILE HYPERTROPHIC MITOCHONDRIAL, AND LACTIC ACIDOSIS. Identifiers: Orphanet 314637, MedGen C4749921, MONDO:0013865, OMIM 614702.

Allele frequency attached by ClinVar (database versions not stated): gnomAD exomes below 0.00001 and 0.00002; TOPMed below 0.00001; ExAC 0.00001; gnomAD 0.00001.
gnomAD v4.1: 31 of 1,613,980 alleles (0.0019%); highest among the groups gnomAD compares: Non-Finnish European, 0.0026%; no homozygotes.

Submissions (2):

Labcorp Genetics (formerly Invitae), Labcorp
Classification: Likely benign for Mitochondrial hypertrophic cardiomyopathy with lactic acidosis due to MTO1 deficiency. Last evaluated: 2025-06-25. Review status: criteria provided, single submitter. Criteria: Invitae Variant Classification Sherloc (09022015). Collection method: clinical testing. Allele origin: germline.

GeneDx
Classification: Likely benign. Last evaluated: 2017-01-12. Review status: criteria provided, single submitter. Criteria: GeneDx Variant Classification (06012015). Collection method: clinical testing. Allele origin: germline. Affected: yes.
Comment: This variant is considered likely benign or benign based on one or more of the following criteria: it is a conservative change, it occurs at a poorly conserved position in the protein, it is predicted to be benign by multiple in silico algorithms, and/or has population frequency not consistent with disease.

NM_012123.4(MTO1):c.1263T>C (p.Gly421=)

Gene: MTO1 (mitochondrial tRNA translation optimization 1; plus strand). Cytogenetic location: 6q13.
Variant type: single nucleotide variant.
Coding change: c.1263T>C on transcript NM_012123.4 (MANE Select); coding-DNA position 1263, T replaced by C.
Protein change: p.Gly421=; no amino-acid change (glycine 421 retained).
Molecular consequence: synonymous variant.
Genome position (GRCh38, 1-based): chr6:73,482,042, T>C. VCF-style: chr6-73482042-T-C. GRCh37 (hg19) VCF-style: chr6-74191765-T-C.
Other names: c.1383T>C, p.Gly461= (NM_001123226.2); c.1338T>C, p.Gly446= (NM_133645.3).
Identifiers: ClinVar variation 392499 (VCV000392499.2), dbSNP rs767094121, ClinGen allele CA3889597.